The following is an entry in ClinVar:

ClinVar aggregate classification (germline): Uncertain significance. Review status: criteria provided, multiple submitters, no conflicts (2 of 4 stars). 2 submissions from 2 submitters: Uncertain significance (2). Last evaluated 2025-08-05.

Conditions:
Inborn genetic diseases. Identifiers: MedGen C0950123, MeSH D030342.

Allele frequency attached by ClinVar (database versions not stated): gnomAD 0.00001; gnomAD exomes 0.00003 and 0.00004; TOPMed 0.00003; ExAC 0.00005.
gnomAD v4.1: 43 of 1,609,426 alleles (0.0027%); highest among the groups gnomAD compares: Admixed American, 0.01%; no homozygotes.

Submissions (2):

Labcorp Genetics (formerly Invitae), Labcorp
Classification: Uncertain significance. Last evaluated: 2025-08-05. Review status: criteria provided, single submitter. Criteria: Invitae Variant Classification Sherloc (09022015). Collection method: clinical testing. Allele origin: germline.
Comment: This sequence change replaces proline, which is neutral and non-polar, with leucine, which is neutral and non-polar, at codon 65 of the SLC26A1 protein (p.Pro65Leu). This variant is present in population databases (rs749562383, gnomAD 0.02%). This variant has not been reported in the literature in individuals affected with SLC26A1-related conditions. ClinVar contains an entry for this variant (Variation ID: 840915). An algorithm developed to predict the effect of missense changes on protein structure and function outputs the following: PolyPhen-2: "Benign". The leucine amino acid residue is found in multiple mammalian species, which suggests that this missense change does not adversely affect protein function. In summary, the available evidence is currently insufficient to determine the role of this variant in disease. Therefore, it has been classified as a Variant of Uncertain Significance.

Ambry Genetics
Classification: Uncertain significance for Inborn genetic diseases. Last evaluated: 2025-03-25. Review status: criteria provided, single submitter. Criteria: Ambry Variant Classification Scheme 2023. Collection method: clinical testing. Allele origin: germline.

NM_022042.4(SLC26A1):c.194C>T (p.Pro65Leu)

Genes: SLC26A1 (solute carrier family 26 member 1; minus strand), IDUA (alpha-L-iduronidase; plus strand). Cytogenetic location: 4p16.3.
Variant type: single nucleotide variant.
Coding change: c.194C>T on transcript NM_022042.4 (MANE Select); coding-DNA position 194, C replaced by T.
Protein change: p.Pro65Leu; replaces proline 65 with leucine.
Molecular consequence: missense variant. On other transcripts: intron variant (1).
Genome position (GRCh38, 1-based): chr4:991,510, G>A on the plus strand (C>T on the coding strand, the complement: SLC26A1 is on the minus strand). VCF-style: chr4-991510-G-A. GRCh37 (hg19) VCF-style: chr4-985298-G-A.
Other names: c.194C>T, p.Pro65Leu (NM_134425.4, NM_213613.4); c.299+3561G>A (NM_000203.5); c.194C>T (NM_213613.2); short protein forms P65L.
Identifiers: ClinVar variation 840915 (VCV000840915.10), dbSNP rs749562383, ClinGen allele CA2801747.
Genomic context (GRCh38, chr4:991,510, plus strand): 5'-GGCACCAGGATGATGCCGATGACCAGCCCAGACATGACGTCGCCTGCCAGGTACTCCCGC[G>A]GGCGGTACTGACGCAGCCAGCGCGTGGCGGGGAGCAGGTCCTGCACCAGCGCCCGGACGC-3'
Protein context (NP_071325.2, residues 55-75): PATRWLRQYR[Pro65Leu]REYLAGDVMS